The following is an entry in ClinVar:

ClinVar aggregate classification (germline): Uncertain significance. Review status: criteria provided, multiple submitters, no conflicts (2 of 4 stars). 2 submissions from 2 submitters: Uncertain significance (2). Last evaluated 2025-11-17.

Allele frequency attached by ClinVar (database versions not stated): gnomAD 0.00001; gnomAD exomes 0.00001 and 0.00002; TOPMed 0.00002; ExAC 0.00006; 1000 Genomes Project 0.00020; 1000 Genomes Project 30x 0.00031.
gnomAD v4.1: 22 of 1,612,176 alleles (0.0014%); highest among the groups gnomAD compares: East Asian, 0.0089%; 1 homozygote.

Submissions (2):

Labcorp Genetics (formerly Invitae), Labcorp
Classification: Uncertain significance. Last evaluated: 2025-11-17. Review status: criteria provided, single submitter. Criteria: Invitae Variant Classification Sherloc (09022015). Collection method: clinical testing. Allele origin: germline.
Comment: This sequence change replaces arginine, which is basic and polar, with cysteine, which is neutral and slightly polar, at codon 1890 of the MYH7B protein (p.Arg1890Cys). The frequency data for this variant in the population databases is considered unreliable, as metrics indicate poor data quality at this position in the gnomAD database. This variant has not been reported in the literature in individuals affected with MYH7B-related conditions. ClinVar contains an entry for this variant (Variation ID: 1383234). Invitae Evidence Modeling of protein sequence and biophysical properties (such as structural, functional, and spatial information, amino acid conservation, physicochemical variation, residue mobility, and thermodynamic stability) indicates that this missense variant is expected to disrupt MYH7B protein function with a positive predictive value of 80%. In summary, the available evidence is currently insufficient to determine the role of this variant in disease. Therefore, it has been classified as a Variant of Uncertain Significance.

Ambry Genetics
Classification: Uncertain significance. Last evaluated: 2023-02-10. Review status: criteria provided, single submitter. Criteria: Ambry Variant Classification Scheme 2023. Collection method: clinical testing. Allele origin: germline.

NM_020884.7(MYH7B):c.5542C>T (p.Arg1848Cys)

Gene: MYH7B (myosin heavy chain 7B; plus strand). Cytogenetic location: 20q11.22.
Variant type: single nucleotide variant.
Coding change: c.5542C>T on transcript NM_020884.7 (MANE Select); coding-DNA position 5542, C replaced by T.
Protein change: p.Arg1848Cys; replaces arginine 1848 with cysteine.
Molecular consequence: missense variant.
Genome position (GRCh38, 1-based): chr20:35,001,311, C>T. VCF-style: chr20-35001311-C-T. GRCh37 (hg19) VCF-style: chr20-33589114-C-T.
Other names: c.5668C>T (NM_020884.3); short protein forms R1848C.
Identifiers: ClinVar variation 1383234 (VCV001383234.7), dbSNP rs200049894, ClinGen allele CA9828618.